The following is an entry in ClinVar:

NM_177438.3(DICER1):c.4429T>C (p.Ser1477Pro)

Gene: DICER1 (dicer 1, ribonuclease III; minus strand). Cytogenetic location: 14q32.13.
Variant type: single nucleotide variant.
Coding change: c.4429T>C on transcript NM_177438.3 (MANE Select); coding-DNA position 4429, T replaced by C.
Protein change: p.Ser1477Pro; replaces serine 1477 with proline.
Molecular consequence: missense variant. On other transcripts: non-coding transcript variant (6).
Genome position (GRCh38, 1-based): chr14:95,096,491, A>G on the plus strand (T>C on the coding strand, the complement: DICER1 is on the minus strand). VCF-style: chr14-95096491-A-G. GRCh37 (hg19) VCF-style: chr14-95562828-A-G.
Other names: c.4429T>C, p.Ser1477Pro (NM_001195573.1, NM_001271282.3, NM_001291628.2 and 13 more transcripts); c.4147T>C, p.Ser1383Pro (NM_001395686.1); c.4024T>C, p.Ser1342Pro (NM_001395687.1, NM_001395688.1, NM_001395689.1 and 2 more transcripts); c.3862T>C, p.Ser1288Pro (NM_001395691.1); c.2746T>C, p.Ser916Pro (NM_001395697.1); short protein forms S1477P, S1383P, S1342P, S916P, S1288P.
Identifiers: ClinVar variation 1740526 (VCV001740526.3), dbSNP rs2139850660, ClinGen allele CA390868603.

ClinVar aggregate classification (germline): Uncertain significance. Review status: criteria provided, multiple submitters, no conflicts (2 of 4 stars). 2 submissions from 2 submitters: Uncertain significance (2). Last evaluated 2025-07-08.

Conditions:
Hereditary cancer-predisposing syndrome. Also called: Neoplastic Syndromes, Hereditary; Tumor predisposition; Hereditary Cancer Syndrome; Hereditary neoplastic syndrome. Identifiers: Orphanet 140162, MedGen C0027672, MeSH D009386, MONDO:0015356.
DICER1-related tumor predisposition. Also called: DICER1 syndrome; DICER1-related pleuropulmonary blastoma cancer predisposition syndrome. Identifiers: Orphanet 284343, MedGen C3839822, MONDO:0100216.

Submissions (2):

Labcorp Genetics (formerly Invitae), Labcorp
Classification: Uncertain significance for DICER1-related tumor predisposition. Last evaluated: 2025-07-08. Review status: criteria provided, single submitter. Criteria: Invitae Variant Classification Sherloc (09022015). Collection method: clinical testing. Allele origin: germline.
Comment: This sequence change replaces serine, which is neutral and polar, with proline, which is neutral and non-polar, at codon 1477 of the DICER1 protein (p.Ser1477Pro). This variant is not present in population databases (gnomAD no frequency). This variant has not been reported in the literature in individuals affected with DICER1-related conditions. ClinVar contains an entry for this variant (Variation ID: 1740526). Invitae Evidence Modeling of protein sequence and biophysical properties (such as structural, functional, and spatial information, amino acid conservation, physicochemical variation, residue mobility, and thermodynamic stability) indicates that this missense variant is not expected to disrupt DICER1 protein function with a negative predictive value of 95%. In summary, the available evidence is currently insufficient to determine the role of this variant in disease. Therefore, it has been classified as a Variant of Uncertain Significance.

Ambry Genetics
Classification: Uncertain significance for Hereditary cancer-predisposing syndrome. Last evaluated: 2019-09-10. Review status: criteria provided, single submitter. Criteria: Ambry Variant Classification Scheme 2023. Collection method: clinical testing. Allele origin: germline.
Comment: The p.S1477P variant (also known as c.4429T>C), located in coding exon 22 of the DICER1 gene, results from a T to C substitution at nucleotide position 4429. The serine at codon 1477 is replaced by proline, an amino acid with similar properties. This amino acid position is not well conserved in available vertebrate species. In addition, this alteration is predicted to be tolerated by in silico analysis. Since supporting evidence is limited at this time, the clinical significance of this alteration remains unclear.